The following is an entry in ClinVar:

NM_001330260.2(SCN8A):c.3839T>C (p.Ile1280Thr)

Gene: SCN8A (sodium voltage-gated channel alpha subunit 8; plus strand). Cytogenetic location: 12q13.13.
Variant type: single nucleotide variant.
Coding change: c.3839T>C on transcript NM_001330260.2 (MANE Select); coding-DNA position 3839, T replaced by C.
Protein change: p.Ile1280Thr; replaces isoleucine 1280 with threonine.
Molecular consequence: missense variant. On other transcripts: intron variant (2).
Genome position (GRCh38, 1-based): chr12:51,780,668, T>C. VCF-style: chr12-51780668-T-C. GRCh37 (hg19) VCF-style: chr12-52174452-T-C.
Other names: c.3839T>C, p.Ile1280Thr (NM_014191.4); c.3820-5874T>C (NM_001177984.3, NM_001369788.1); short protein forms I1280T.
Identifiers: ClinVar variation 941705 (VCV000941705.10), dbSNP rs766666711, ClinGen allele CA6571717.

ClinVar aggregate classification (germline): Uncertain significance (1 of 4 stars; one submission).

Conditions:
Early-infantile DEE. Also called: Early infantile epileptic encephalopathy; Ohtahara syndrome; Early infantile epileptic encephalopathy with suppression bursts. Identifiers: Orphanet 1934, MedGen C0393706, MONDO:0800491.

Allele frequency attached by ClinVar (database versions not stated): gnomAD exomes below 0.00001; gnomAD 0.00001 and 0.00002; ExAC 0.00002.
gnomAD v4.1: 3 of 1,523,602 alleles (0.0002%); highest among the groups gnomAD compares: African/African-American, 0.0045%; no homozygotes.

Submission:

Labcorp Genetics (formerly Invitae), Labcorp
Classification: Uncertain significance for Early-infantile DEE. Last evaluated: 2019-07-30. Review status: criteria provided, single submitter. Criteria: Invitae Variant Classification Sherloc (09022015). Collection method: clinical testing. Allele origin: germline.
Comment: Algorithms developed to predict the effect of missense changes on protein structure and function are either unavailable or do not agree on the potential impact of this missense change (SIFT: "Deleterious"; PolyPhen-2: "Benign"; Align-GVGD: "Class C0"). In summary, the available evidence is currently insufficient to determine the role of this variant in disease. Therefore, it has been classified as a Variant of Uncertain Significance. This variant has not been reported in the literature in individuals with SCN8A-related conditions. This variant is present in population databases (rs766666711, ExAC 0.02%). This sequence change replaces isoleucine with threonine at codon 1280 of the SCN8A protein (p.Ile1280Thr). The isoleucine residue is highly conserved and there is a moderate physicochemical difference between isoleucine and threonine.